The following is an entry in ClinVar:

ClinVar aggregate classification (germline): Uncertain significance. Review status: criteria provided, multiple submitters, no conflicts (2 of 4 stars). 3 submissions from 3 submitters: Uncertain significance (3). Last evaluated 2024-04-25.

Conditions:
Inborn genetic diseases. Identifiers: MedGen C0950123, MeSH D030342.
Myofibrillar myopathy 3 (MFM3). Also called: Muscular dystrophy, proximal, type 1A; Autosomal dominant spheroid body myopathy. Identifiers: Orphanet 266, Orphanet 268129, MedGen C3714934, MONDO:0012215, OMIM 609200.

Allele frequency attached by ClinVar (database versions not stated): gnomAD exomes 0.00001; TOPMed 0.00001.
gnomAD v4.1: 8 of 1,614,030 alleles (0.0005%); highest among the groups gnomAD compares: Middle Eastern, 0.017%; no homozygotes.

Submissions (3):

Labcorp Genetics (formerly Invitae), Labcorp
Classification: Uncertain significance for Myofibrillar myopathy 3. Last evaluated: 2024-04-25. Review status: criteria provided, single submitter. Criteria: Invitae Variant Classification Sherloc (09022015). Collection method: clinical testing. Allele origin: germline.
Comment: This sequence change replaces alanine, which is neutral and non-polar, with glutamic acid, which is acidic and polar, at codon 131 of the MYOT protein (p.Ala131Glu). This variant is present in population databases (no rsID available, gnomAD 0.006%). This variant has not been reported in the literature in individuals affected with MYOT-related conditions. ClinVar contains an entry for this variant (Variation ID: 655808). An algorithm developed to predict the effect of missense changes on protein structure and function (PolyPhen-2) suggests that this variant is likely to be tolerated. In summary, the available evidence is currently insufficient to determine the role of this variant in disease. Therefore, it has been classified as a Variant of Uncertain Significance.

Revvity Omics, Revvity
Classification: Uncertain significance for Myofibrillar myopathy 3. Last evaluated: 2023-06-15. Review status: criteria provided, single submitter. Criteria: ACMG Guidelines, 2015. Collection method: clinical testing. Allele origin: germline.

Ambry Genetics
Classification: Uncertain significance for Inborn genetic diseases. Last evaluated: 2022-07-12. Review status: criteria provided, single submitter. Criteria: Ambry Variant Classification Scheme 2023. Collection method: clinical testing. Allele origin: germline.

NM_006790.3(MYOT):c.392C>A (p.Ala131Glu)

Genes: MYOT (myotilin; plus strand), PKD2L2-DT (PKD2L2 divergent transcript; minus strand). Cytogenetic location: 5q31.2.
Variant type: single nucleotide variant.
Coding change: c.392C>A on transcript NM_006790.3 (MANE Select); coding-DNA position 392, C replaced by A.
Protein change: p.Ala131Glu; replaces alanine 131 with glutamic acid.
Molecular consequence: missense variant. On other transcripts: 5 prime UTR variant (1).
Genome position (GRCh38, 1-based): chr5:137,875,864, C>A. VCF-style: chr5-137875864-C-A. GRCh37 (hg19) VCF-style: chr5-137211553-C-A.
Other names: c.-161C>A (NM_001135940.2); c.47C>A, p.Ala16Glu (NM_001300911.2); short protein forms A16E, A131E.
Identifiers: ClinVar variation 655808 (VCV000655808.12), dbSNP rs982468554, ClinGen allele CA128100226.